The following is an entry in ClinVar:

NM_000489.6(ATRX):c.5452A>G (p.Lys1818Glu)

Gene: ATRX (ATRX chromatin remodeler; minus strand). Cytogenetic location: Xq21.1.
Variant type: single nucleotide variant.
Coding change: c.5452A>G on transcript NM_000489.6 (MANE Select); coding-DNA position 5452, A replaced by G.
Protein change: p.Lys1818Glu; replaces lysine 1818 with glutamic acid.
Molecular consequence: missense variant.
Genome position (GRCh38, 1-based): chrX:77,616,727, T>C on the plus strand (A>G on the coding strand, the complement: ATRX is on the minus strand). VCF-style: chrX-77616727-T-C. GRCh37 (hg19) VCF-style: chrX-76872195-T-C.
Other names: c.5338A>G, p.Lys1780Glu (NM_138270.5); short protein forms K1780E, K1818E.
Identifiers: ClinVar variation 3025640 (VCV003025640.22), dbSNP rs2522020868, ClinGen allele CA413700561.
Genomic context (GRCh38, chrX:77,616,727, plus strand): 5'-TCACAGCTAACACATATTCGTGTTTTGGAGGCAAGAATTTTGTTAATGCTGTATAATCTT[T>C]CCTCTGTAATTAACAAGAAAGAGAATGAAAATTAATCTAAATATTTAACAGGAATGAACT-3'
Protein context (NP_000480.3, residues 1808-1828): YEMLAGCVQR[Lys1818Glu]DYTALTKFLP

ClinVar aggregate classification (germline): Uncertain significance (1 of 4 stars; one submission).

Submission:

CeGaT Center for Human Genetics Tuebingen
Classification: Uncertain significance. Last evaluated: 2024-01-01. Review status: criteria provided, single submitter. Criteria: CeGaT Center For Human Genetics Tuebingen Variant Classification Criteria Version 2. Collection method: clinical testing. Allele origin: germline. Affected: yes. Observed: 2 variant alleles.
Comment: ATRX: PM2, PP2, PP3